The following is an entry in ClinVar:

NM_206933.4(USH2A):c.11146C>A (p.Gln3716Lys)

Gene: USH2A (usherin; minus strand). Cytogenetic location: 1q41.
Variant type: single nucleotide variant.
Coding change: c.11146C>A on transcript NM_206933.4 (MANE Select); coding-DNA position 11146, C replaced by A.
Protein change: p.Gln3716Lys; replaces glutamine 3716 with lysine.
Molecular consequence: missense variant.
Genome position (GRCh38, 1-based): chr1:215,759,745, G>T on the plus strand (C>A on the coding strand, the complement: USH2A is on the minus strand). VCF-style: chr1-215759745-G-T. GRCh37 (hg19) VCF-style: chr1-215933087-G-T.
Other names: short protein forms Q3716K.
Identifiers: ClinVar variation 2178059 (VCV002178059.1), dbSNP rs771260365, ClinGen allele CA1393805.

ClinVar aggregate classification (germline): Uncertain significance (1 of 4 stars; one submission).

Allele frequency attached by ClinVar (database versions not stated): gnomAD exomes below 0.00001; ExAC 0.00001.
gnomAD v4.1: 5 of 1,613,898 alleles (0.00031%); highest among the groups gnomAD compares: African/African-American, 0.0027%; no homozygotes.

Submission:

Labcorp Genetics (formerly Invitae), Labcorp
Classification: Uncertain significance. Last evaluated: 2022-07-05. Review status: criteria provided, single submitter. Criteria: Invitae Variant Classification Sherloc (09022015). Collection method: clinical testing. Allele origin: germline.
Comment: This sequence change replaces glutamine, which is neutral and polar, with lysine, which is basic and polar, at codon 3716 of the USH2A protein (p.Gln3716Lys). This variant is present in population databases (rs771260365, gnomAD 0.0008%). This variant has not been reported in the literature in individuals affected with USH2A-related conditions. Algorithms developed to predict the effect of missense changes on protein structure and function (SIFT, PolyPhen-2, Align-GVGD) all suggest that this variant is likely to be tolerated. In summary, the available evidence is currently insufficient to determine the role of this variant in disease. Therefore, it has been classified as a Variant of Uncertain Significance.